The following is an entry in ClinVar:

NM_001378609.3(OTOGL):c.335-9del

Gene: OTOGL (otogelin like; plus strand). Cytogenetic location: 12q21.31.
Variant type: Deletion.
Coding change: c.335-9del on transcript NM_001378609.3 (MANE Select); 9 bases into the intron before coding-DNA position 335, one base deleted (T; older notation c.335-9delT).
Molecular consequence: intron variant.
Genome position (GRCh38, 1-based): chr12:80,222,082, T deleted; the last of 3 consecutive T bases (chr12:80,222,080-80,222,082); deleting any one gives the same sequence. VCF-style (leftmost placement, unchanged base first): chr12-80222079-GT-G. GRCh37 (hg19) VCF-style: chr12-80615859-GT-G.
Other names: c.308-9delT (NM_173591.3); c.335-9del (NM_001368062.3, NM_001378610.3, NM_173591.7).
Identifiers: ClinVar variation 517312 (VCV000517312.15), dbSNP rs754987281, ClinGen allele CA6700148.
Genomic context (GRCh38, chr12:80,222,079, plus strand): 5'-CATGACTGACTGAACATTGCTAGAAACGTGTAATTTATTTTGCCTACAAAATATTATCCT[GT>G]TTCTTTTCAGTCCCAAACATGGGCAACGGCAGAGATGGGATTTGTAAAACCTGGGGACAG-3'

ClinVar aggregate classification (germline): Conflicting classifications of pathogenicity. Review status: criteria provided, conflicting classifications (1 of 4 stars). 4 submissions from 4 submitters: Uncertain significance (1); Likely benign (2). 1 of the submissions does not count toward it. Last evaluated 2025-08-22.

Conditions:
OTOGL-related disorder. Also called: OTOGL-related condition.

Submissions (4):

Labcorp Genetics (formerly Invitae), Labcorp
Classification: Likely benign. Last evaluated: 2025-08-22. Review status: criteria provided, single submitter. Criteria: Invitae Variant Classification Sherloc (09022015). Collection method: clinical testing. Allele origin: germline.

GeneDx
Classification: Likely benign. Last evaluated: 2020-10-20. Review status: criteria provided, single submitter. Criteria: GeneDx Variant Classification Process June 2021. Collection method: clinical testing. Allele origin: germline. Affected: yes.

Laboratory for Molecular Medicine, Mass General Brigham Personalized Medicine
Classification: Uncertain significance. Last evaluated: 2017-03-21. Review status: criteria provided, single submitter. Criteria: LMM Criteria. Collection method: clinical testing. Allele origin: germline. Observed: 1 variant allele.
Comment: Variant classified as Uncertain Significance - Favor Benign. The c.308-9delT var iant in OTOGL has not been previously reported in individuals with hearing loss, but has been identified in 16/64272 European chromosomes by the Exome Aggregati on Consortium (ExAC; dbSNP rs754987281). This va riant is located in the 3' splice region. Computational tools do not suggest an impact to splicing. However, this information is not predictive enough to rule o ut pathogenicity. In summary, while the clinical significance of the c.308-9delT variant is uncertain, this data suggests that it is more likely to be benign.

PreventionGenetics, part of Exact Sciences
Classification: Likely benign for OTOGL-related condition. Last evaluated: 2024-08-08. Review status: no assertion criteria provided. Collection method: clinical testing. Allele origin: germline. Not counted in ClinVar's aggregate classification.
Comment: This variant is classified as likely benign based on ACMG/AMP sequence variant interpretation guidelines (Richards et al. 2015 PMID: 25741868, with internal and published modifications).